The following is an entry in ClinVar:

NM_001101362.3(KBTBD13):c.1363A>G (p.Thr455Ala)

Gene: KBTBD13 (kelch repeat and BTB domain containing 13; plus strand). Cytogenetic location: 15q22.31.
Variant type: single nucleotide variant.
Coding change: c.1363A>G on transcript NM_001101362.3 (MANE Select); coding-DNA position 1363, A replaced by G.
Protein change: p.Thr455Ala; replaces threonine 455 with alanine.
Molecular consequence: missense variant.
Genome position (GRCh38, 1-based): chr15:65,078,178, A>G. VCF-style: chr15-65078178-A-G. GRCh37 (hg19) VCF-style: chr15-65370516-A-G.
Other names: p.Thr455Ala; short protein forms T455A.
Identifiers: ClinVar variation 257451 (VCV000257451.21), dbSNP rs116406369, ClinGen allele CA7614125.

ClinVar aggregate classification (germline): Benign/Likely benign. Review status: criteria provided, multiple submitters, no conflicts (2 of 4 stars). 7 submissions from 7 submitters: Benign (4); Likely benign (2). 1 of the submissions does not count toward it. Last evaluated 2026-01-28.

Conditions:
KBTBD13-related disorder. Also called: KBTBD13-related condition.
Nemaline myopathy 6 (NEM6). Also called: Nemaline myopathy 6, autosomal dominant. Identifiers: Orphanet 171439, MedGen C1836472, MONDO:0012237, OMIM 609273.

Allele frequency attached by ClinVar (database versions not stated): gnomAD exomes 0.00058 and 0.00129; ExAC 0.00098; ESP Exome Variant Server 0.00328; 1000 Genomes Project 30x 0.00562; 1000 Genomes Project 0.00579; gnomAD 0.00595 and 0.00642; TOPMed 0.00723.
gnomAD v4.1: 1,746 of 1,540,720 alleles (0.11%); highest among the groups gnomAD compares: African/African-American, 2.1%; 13 homozygotes.

Submissions (7):

Labcorp Genetics (formerly Invitae), Labcorp
Classification: Benign for Nemaline myopathy 6. Last evaluated: 2026-01-28. Review status: criteria provided, single submitter. Criteria: Invitae Variant Classification Sherloc (09022015). Collection method: clinical testing. Allele origin: germline.

Blueprint Genetics
Classification: Likely benign. Last evaluated: 2024-11-01. Review status: criteria provided, single submitter. Criteria: ACMG Guidelines, 2015. Collection method: clinical testing. Allele origin: germline.

Mayo Clinic Laboratories, Mayo Clinic
Classification: Benign. Last evaluated: 2019-03-01. Review status: criteria provided, single submitter. Criteria: ACMG Guidelines, 2015. Collection method: clinical testing. Allele origin: germline. Observed: 2 variant alleles.

Illumina Laboratory Services, Illumina
Classification: Benign for Nemaline myopathy 6. Last evaluated: 2018-01-12. Review status: criteria provided, single submitter. Criteria: ICSL Variant Classification Criteria 13 December 2019. Collection method: clinical testing. Allele origin: germline.
Comment: This variant was observed in the ICSL laboratory as part of a predisposition screen in an ostensibly healthy population. It had not been previously curated by ICSL or reported in the Human Gene Mutation Database (HGMD: prior to June 1st, 2018), and was therefore a candidate for classification through an automated scoring system. Utilizing variant allele frequency, disease prevalence and penetrance estimates, and inheritance mode, an automated score was calculated to assess if this variant is too frequent to cause the disease. Based on the score and internal cut-off values, a variant classified as benign is not then subjected to further curation. The score for this variant resulted in a classification of benign for this disease.

GeneDx
Classification: Benign. Last evaluated: 2016-08-05. Review status: criteria provided, single submitter. Criteria: GeneDx Variant Classification (06012015). Collection method: clinical testing. Allele origin: germline. Affected: yes.
Comment: This variant is considered likely benign or benign based on one or more of the following criteria: it is a conservative change, it occurs at a poorly conserved position in the protein, it is predicted to be benign by multiple in silico algorithms, and/or has population frequency not consistent with disease.

Breakthrough Genomics
Classification: Likely benign. Review status: criteria provided, single submitter. Criteria: ACMG Guidelines, 2015. Collection method: not provided. Allele origin: germline. Inheritance: Autosomal dominant inheritance. Affected: yes.

PreventionGenetics, part of Exact Sciences
Classification: Benign for KBTBD13-related condition. Last evaluated: 2019-05-29. Review status: no assertion criteria provided. Collection method: clinical testing. Allele origin: germline. Not counted in ClinVar's aggregate classification.
Comment: This variant is classified as benign based on ACMG/AMP sequence variant interpretation guidelines (Richards et al. 2015 PMID: 25741868, with internal and published modifications).